The following is an entry in ClinVar:

ClinVar aggregate classification (germline): Likely pathogenic (1 of 4 stars; one submission).

Submission:

GeneDx
Classification: Likely pathogenic. Last evaluated: 2025-06-10. Review status: criteria provided, single submitter. Criteria: GeneDx Variant Classification Process June 2021. Collection method: clinical testing. Allele origin: germline. Affected: yes.
Comment: Frameshift variant predicted to result in protein truncation or nonsense mediated decay in a gene for which loss of function is a known mechanism of disease; Not observed at significant frequency in large population cohorts (gnomAD); Has not been previously published as pathogenic or benign to our knowledge

NM_001378414.1(HDAC4):c.329del (p.Glu110fs)

Gene: HDAC4 (histone deacetylase 4; minus strand). Cytogenetic location: 2q37.3.
Variant type: Deletion.
Coding change: c.329del on transcript NM_001378414.1 (MANE Select); coding-DNA position 329, one base deleted (A; older notation c.329delA).
Protein change: p.Glu110fs; shifts the reading frame from glutamic acid 110.
Molecular consequence: frameshift variant.
Genome position (GRCh38, 1-based): chr2:239,189,843, T deleted on the plus strand (A on the coding strand, the reverse complement: HDAC4 is on the minus strand). VCF-style (leftmost placement, unchanged base first): chr2-239189842-CT-C. GRCh37 (hg19) VCF-style: chr2-240111538-CT-C.
Other names: c.329del, p.Glu110fs (NM_001378415.1, NM_001378416.1, NM_001378417.1 and 1 more transcripts); short protein forms E110fs.
Identifiers: ClinVar variation 1306095 (VCV001306095.3), dbSNP rs2153042521, ClinGen allele CA2573051901.